The following is an entry in ClinVar:

ClinVar aggregate classification (germline): Conflicting classifications of pathogenicity. Review status: criteria provided, conflicting classifications (1 of 4 stars). 3 submissions from 3 submitters: Uncertain significance (1); Likely benign (2). Last evaluated 2024-10-22.

Conditions:
Dilated cardiomyopathy 1O (CMD1O). Also called: CARDIOMYOPATHY, DILATED, WITH VENTRICULAR TACHYCARDIA. Identifiers: Orphanet 154, MedGen C1837839, MONDO:0012062, OMIM 608569.

Allele frequency attached by ClinVar (database versions not stated): gnomAD exomes 0.00001.
gnomAD v4.1: 7 of 1,612,184 alleles (0.00043%); highest among the groups gnomAD compares: Non-Finnish European, 0.00051%; no homozygotes.

Submissions (3):

Labcorp Genetics (formerly Invitae), Labcorp
Classification: Likely benign for Dilated cardiomyopathy 1O. Last evaluated: 2024-10-22. Review status: criteria provided, single submitter. Criteria: Invitae Variant Classification Sherloc (09022015). Collection method: clinical testing. Allele origin: germline.

CeGaT Center for Human Genetics Tuebingen
Classification: Uncertain significance. Last evaluated: 2023-08-01. Review status: criteria provided, single submitter. Criteria: CeGaT Center For Human Genetics Tuebingen Variant Classification Criteria Version 2. Collection method: clinical testing. Allele origin: germline. Affected: yes. Observed: 1 variant allele.
Comment: ABCC9: PM2, BP4

Blueprint Genetics
Classification: Likely benign. Last evaluated: 2021-09-01. Review status: criteria provided, single submitter. Criteria: ACMG Guidelines, 2015. Collection method: clinical testing. Allele origin: germline.

NM_020297.4(ABCC9):c.3893-7C>T

Genes: ABCC9 (ATP binding cassette subfamily C member 9; minus strand), KCNJ8-AS1 (KCNJ8 antisense RNA 1; plus strand). Cytogenetic location: 12p12.1.
Variant type: single nucleotide variant.
Coding change: c.3893-7C>T on transcript NM_020297.4 (MANE Select); 7 bases into the intron before coding-DNA position 3893, C replaced by T.
Molecular consequence: intron variant.
Genome position (GRCh38, 1-based): chr12:21,815,900, G>A on the plus strand (C>T on the coding strand, the complement: ABCC9 is on the minus strand). VCF-style: chr12-21815900-G-A. GRCh37 (hg19) VCF-style: chr12-21968834-G-A.
Other names: c.3026-7C>T (NM_001377274.1); c.3893-7C>T (NM_005691.4, NM_001377273.1).
Identifiers: ClinVar variation 1538568 (VCV001538568.33), dbSNP rs769051998, ClinGen allele CA233615219.